The following is an entry in ClinVar:

NM_001114753.3(ENG):c.391_392dup (p.Gly132fs)

Gene: ENG (endoglin; minus strand). Cytogenetic location: 9q34.11.
Variant type: Duplication.
Coding change: c.391_392dup on transcript NM_001114753.3 (MANE Select); coding-DNA positions 391 to 392, 2 bases duplicated (CC; older notation c.391_392dupCC).
Protein change: p.Gly132fs; shifts the reading frame from glycine 132.
Molecular consequence: frameshift variant. On other transcripts: 5 prime UTR variant (1).
Genome position (GRCh38, 1-based): chr9:127,826,641-127,826,642, GG duplicated on the plus strand (CC on the coding strand, the reverse complement: ENG is on the minus strand); duplicating any 2 consecutive bases within chr9:127,826,641-127,826,645 gives the same sequence; the c. name uses the placement nearest the transcript's 3' end. VCF-style (leftmost placement, unchanged base first): chr9-127826640-C-CGG. GRCh37 (hg19) VCF-style: chr9-130588919-C-CGG.
Other names: c.388_389dup, p.Gly132Argfs (NM_000118.4, NM_001406715.1); c.-156_-155dup (NM_001278138.2); short protein forms G132fs.
Identifiers: ClinVar variation 1736116 (VCV001736116.2), dbSNP rs1554810510, ClinGen allele CA2580079706.

ClinVar aggregate classification (germline): Pathogenic (1 of 4 stars; one submission).

Conditions:
Cardiovascular phenotype. Identifiers: MedGen CN230736.

Submission:

Ambry Genetics
Classification: Pathogenic for Cardiovascular phenotype. Last evaluated: 2015-03-23. Review status: criteria provided, single submitter. Criteria: Ambry Variant Classification Scheme 2023. Collection method: clinical testing. Allele origin: germline.
Comment: The c.391_392dupCC pathogenic mutation, located in coding exon 4 of the ENG gene, results from a duplication of CC at nucleotide positions 391 and 392, causing a translational frameshift with a predicted alternate stop codon. Since frameshifts are typically deleterious in nature, this alteration is interpreted as a disease-causing mutation (ACMG Recommendations for Standards for Interpretation and Reporting of Sequence Variations. Revision 2007. Genet Med. 2008;10:294).